The following is an entry in ClinVar:

NM_017849.4(TMEM127):c.389C>T (p.Ala130Val)

Gene: TMEM127 (transmembrane protein 127; minus strand). Cytogenetic location: 2q11.2.
Variant type: single nucleotide variant.
Coding change: c.389C>T on transcript NM_017849.4 (MANE Select); coding-DNA position 389, C replaced by T.
Protein change: p.Ala130Val; replaces alanine 130 with valine.
Molecular consequence: missense variant.
Genome position (GRCh38, 1-based): chr2:96,254,853, G>A on the plus strand (C>T on the coding strand, the complement: TMEM127 is on the minus strand). VCF-style: chr2-96254853-G-A. GRCh37 (hg19) VCF-style: chr2-96920591-G-A.
Other names: c.389C>T, p.Ala130Val (NM_001193304.3); c.137C>T, p.Ala46Val (NM_001407282.1, NM_001407283.1); short protein forms A46V, A130V.
Identifiers: ClinVar variation 1735979 (VCV001735979.2), dbSNP rs2104286993, ClinGen allele CA347653287.

ClinVar aggregate classification (germline): Uncertain significance (1 of 4 stars; one submission).

Conditions:
Hereditary cancer-predisposing syndrome. Also called: Neoplastic Syndromes, Hereditary; Tumor predisposition; Hereditary Cancer Syndrome; Hereditary neoplastic syndrome. Identifiers: Orphanet 140162, MedGen C0027672, MeSH D009386, MONDO:0015356.

Submission:

Ambry Genetics
Classification: Uncertain significance for Hereditary cancer-predisposing syndrome. Last evaluated: 2022-06-20. Review status: criteria provided, single submitter. Criteria: Ambry Variant Classification Scheme 2023. Collection method: clinical testing. Allele origin: germline.
Comment: The p.A130V variant (also known as c.389C>T), located in coding exon 2 of the TMEM127 gene, results from a C to T substitution at nucleotide position 389. The alanine at codon 130 is replaced by valine, an amino acid with similar properties. This amino acid position is conserved. In addition, this alteration is predicted to be deleterious by in silico analysis. Since supporting evidence is limited at this time, the clinical significance of this alteration remains unclear.